The following is an entry in ClinVar:

NM_001447.3(FAT2):c.4660C>T (p.Arg1554Cys)

Genes: SLC36A1 (solute carrier family 36 member 1; plus strand), FAT2 (FAT atypical cadherin 2; minus strand). Cytogenetic location: 5q33.1.
Variant type: single nucleotide variant.
Coding change: c.4660C>T on transcript NM_001447.3 (MANE Select); coding-DNA position 4660, C replaced by T.
Protein change: p.Arg1554Cys; replaces arginine 1554 with cysteine.
Molecular consequence: missense variant.
Genome position (GRCh38, 1-based): chr5:151,549,424, G>A on the plus strand (C>T on the coding strand, the complement: FAT2 is on the minus strand). VCF-style: chr5-151549424-G-A. GRCh37 (hg19) VCF-style: chr5-150928985-G-A.
Other names: short protein forms R1554C.
Identifiers: ClinVar variation 1936758 (VCV001936758.7), dbSNP rs374336586, ClinGen allele CA3521488.

ClinVar aggregate classification (germline): Uncertain significance. Review status: criteria provided, multiple submitters, no conflicts (2 of 4 stars). 3 submissions from 3 submitters: Uncertain significance (3). Last evaluated 2025-05-29.

Allele frequency attached by ClinVar (database versions not stated): ExAC 0.00002; gnomAD 0.00003; TOPMed 0.00003; ESP Exome Variant Server 0.00008.
gnomAD v4.1: 103 of 1,614,022 alleles (0.0064%); highest among the groups gnomAD compares: Non-Finnish European, 0.0081%; no homozygotes.

Submissions (3):

Women's Health and Genetics/Laboratory Corporation of America, LabCorp
Classification: Uncertain significance. Last evaluated: 2025-05-29. Review status: criteria provided, single submitter. Criteria: LabCorp Variant Classification Summary - May 2015. Collection method: clinical testing. Allele origin: germline.
Comment: Variant summary: FAT2 c.4660C>T (p.Arg1554Cys) results in a non-conservative amino acid change in the encoded protein sequence. Algorithms developed to predict the effect of missense changes on protein structure and function are either unavailable or do not agree on the potential impact of this missense change. The variant allele was found at a frequency of 2.8e-05 in 251184 control chromosomes. The available data on variant occurrences in the general population are insufficient to allow any conclusion about variant significance. To our knowledge, no occurrence of c.4660C>T in individuals affected with Spinocerebellar Ataxia 45 and no experimental evidence demonstrating its impact on protein function have been reported. ClinVar contains an entry for this variant (Variation ID: 1936758). Based on the evidence outlined above, the variant was classified as uncertain significance.

Labcorp Genetics (formerly Invitae), Labcorp
Classification: Uncertain significance. Last evaluated: 2022-04-01. Review status: criteria provided, single submitter. Criteria: Invitae Variant Classification Sherloc (09022015). Collection method: clinical testing. Allele origin: germline.
Comment: This sequence change replaces arginine, which is basic and polar, with cysteine, which is neutral and slightly polar, at codon 1554 of the FAT2 protein (p.Arg1554Cys). This variant is present in population databases (rs374336586, gnomAD 0.006%). This variant has not been reported in the literature in individuals affected with FAT2-related conditions. Algorithms developed to predict the effect of missense changes on protein structure and function output the following: SIFT: "Tolerated"; PolyPhen-2: "Benign"; Align-GVGD: "Class C0". The cysteine amino acid residue is found in multiple mammalian species, which suggests that this missense change does not adversely affect protein function. In summary, the available evidence is currently insufficient to determine the role of this variant in disease. Therefore, it has been classified as a Variant of Uncertain Significance.

Ambry Genetics
Classification: Uncertain significance. Last evaluated: 2022-01-03. Review status: criteria provided, single submitter. Criteria: Ambry Variant Classification Scheme 2023. Collection method: clinical testing. Allele origin: germline.